The following is an entry in ClinVar:

ClinVar aggregate classification (germline): Uncertain significance (1 of 4 stars; one submission).

Submission:

GeneDx
Classification: Uncertain significance. Last evaluated: 2025-02-24. Review status: criteria provided, single submitter. Criteria: GeneDx Variant Classification Process June 2021. Collection method: clinical testing. Allele origin: germline. Affected: yes.
Comment: Not observed at significant frequency in large population cohorts (gnomAD); In silico analysis indicates that this missense variant does not alter protein structure/function; Has not been previously published as pathogenic or benign to our knowledge

NM_018105.3(THAP1):c.420G>T (p.Glu140Asp)

Gene: THAP1 (THAP domain containing 1; minus strand). Cytogenetic location: 8p11.21.
Variant type: single nucleotide variant.
Coding change: c.420G>T on transcript NM_018105.3 (MANE Select); coding-DNA position 420, G replaced by T.
Protein change: p.Glu140Asp; replaces glutamic acid 140 with aspartic acid.
Molecular consequence: missense variant. On other transcripts: 3 prime UTR variant (1).
Genome position (GRCh38, 1-based): chr8:42,838,184, C>A on the plus strand (G>T on the coding strand, the complement: THAP1 is on the minus strand). VCF-style: chr8-42838184-C-A. GRCh37 (hg19) VCF-style: chr8-42693327-C-A.
Other names: c.*62G>T (NM_199003.2); short protein forms E140D.
Identifiers: ClinVar variation 4076798 (VCV004076798.1).